The following is an entry in ClinVar:

NM_001032283.3(TMPO):c.565+1105C>T

Gene: TMPO (thymopoietin; plus strand). Cytogenetic location: 12q23.1.
Variant type: single nucleotide variant.
Coding change: c.565+1105C>T on transcript NM_001032283.3 (MANE Select); 1105 bases into the intron after coding-DNA position 565, C replaced by T.
Molecular consequence: intron variant. On other transcripts: missense variant (1).
Genome position (GRCh38, 1-based): chr12:98,532,943, C>T. VCF-style: chr12-98532943-C-T. GRCh37 (hg19) VCF-style: chr12-98926721-C-T.
Other names: c.686C>T, p.Thr229Ile (NM_003276.2); c.565+1105C>T (NM_001307975.2, NM_001032284.3); short protein forms T229I.
Identifiers: ClinVar variation 178141 (VCV000178141.33), dbSNP rs138790561, ClinGen allele CA181537.
Genomic context (GRCh38, chr12:98,532,943, plus strand): 5'-TTGGAACTACTCCCTCTGGTGGTGGATTTTTTCAGGGTATTTCTTTTCCTGAAATCTCCA[C>T]CCGTCCTCCTTTGGGCAGTACCGAACTACAGGCAGCTAAGAAAGTACATACTTCTAAGGG-3'

ClinVar aggregate classification (germline): Benign/Likely benign. Review status: criteria provided, multiple submitters, no conflicts (2 of 4 stars). 9 submissions from 9 submitters: Benign (6); Likely benign (3). Last evaluated 2026-01-13.

Conditions:
TMPO-related disorder. Also called: TMPO-related condition.
Loeys-Dietz syndrome 2 (LDS2). Also called: Marfan Syndrome type 2; Marfan like connective tissue disorder; MFS 2; AORTIC ANEURYSM, FAMILIAL THORACIC 3; MARFAN SYNDROME, TYPE II; TGFBR2-Related Loeys-Dietz Syndrome. Identifiers: Orphanet 284973, Orphanet 558, MedGen C2674574, MONDO:0012427, OMIM 610168.

Allele frequency attached by ClinVar (database versions not stated): gnomAD 0.00038 and 0.00119; ESP Exome Variant Server 0.00046; TOPMed 0.00049; gnomAD exomes 0.00174 and 0.00305; ExAC 0.00347; 1000 Genomes Project 30x 0.00593; 1000 Genomes Project 0.00639.
gnomAD v4.1: 2,756 of 1,614,116 alleles (0.17%); highest among the groups gnomAD compares: South Asian, 2%; 41 homozygotes.

Submissions (9):

Labcorp Genetics (formerly Invitae), Labcorp
Classification: Benign for Loeys-Dietz syndrome 2. Last evaluated: 2026-01-13. Review status: criteria provided, single submitter. Criteria: Invitae Variant Classification Sherloc (09022015). Collection method: clinical testing. Allele origin: germline.

Women's Health and Genetics/Laboratory Corporation of America, LabCorp
Classification: Likely benign. Last evaluated: 2025-06-20. Review status: criteria provided, single submitter. Criteria: LabCorp Variant Classification Summary - May 2015. Collection method: clinical testing. Allele origin: germline.

PreventionGenetics, part of Exact Sciences
Classification: Benign for TMPO-related condition. Last evaluated: 2024-10-22. Review status: criteria provided, single submitter. Criteria: ACMG Guidelines, 2015. Collection method: clinical testing. Allele origin: germline.
Comment: This variant is classified as benign based on ACMG/AMP sequence variant interpretation guidelines (Richards et al. 2015 PMID: 25741868, with internal and published modifications).

Laboratory for Molecular Medicine, Mass General Brigham Personalized Medicine
Classification: Benign. Last evaluated: 2020-09-22. Review status: criteria provided, single submitter. Criteria: LMM Criteria. Collection method: clinical testing. Allele origin: germline. Observed: 4 variant alleles.
Comment: The p.Thr229Ile variant in TMPO is classified as benign because it has been identified in 2% (639/30780) of South Asian chromosomes, including 10 homozygotes, by gnomAD. ACMG/AMP Criteria applied: BA1.

ARUP Laboratories, Molecular Genetics and Genomics, ARUP Laboratories
Classification: Benign. Last evaluated: 2020-01-29. Review status: criteria provided, single submitter. Criteria: ARUP Molecular Germline Variant Investigation Process. Collection method: clinical testing. Allele origin: germline.

Ambry Genetics
Classification: Benign. Last evaluated: 2017-11-03. Review status: criteria provided, single submitter. Criteria: Ambry Variant Classification Scheme 2023. Collection method: clinical testing. Allele origin: germline.

GeneDx
Classification: Benign. Last evaluated: 2015-03-03. Review status: criteria provided, single submitter. Criteria: GeneDx Variant Classification Process June 2021. Collection method: clinical testing. Allele origin: germline. Affected: yes.

Biesecker Lab/Clinical Genomics Section, National Institutes of Health
Classification: Likely benign. Last evaluated: 2013-06-24. Review status: criteria provided, single submitter. Criteria: Ng et al. (Circ Cardiovasc Genet. 2013). Collection method: research. Allele origin: unknown. Observed: 3 variant alleles. Study: ClinSeq.
Comment: The study set was not selected for affection status in relation to any cancer. Pathogenicity categories were based on literature curation. See Pubmed ID:23861362 for details.

Medical sequencing

Breakthrough Genomics
Classification: Likely benign. Review status: criteria provided, single submitter. Criteria: ACMG Guidelines, 2015. Collection method: not provided. Allele origin: germline. Inheritance: Unknown mechanism. Affected: yes.